The following is an entry in ClinVar:

ClinVar aggregate classification (germline): Uncertain significance. Review status: criteria provided, multiple submitters, no conflicts (2 of 4 stars). 2 submissions from 2 submitters: Uncertain significance (2). Last evaluated 2025-11-24.

Allele frequency attached by ClinVar (database versions not stated): gnomAD 0.00001; gnomAD exomes 0.00001.
gnomAD v4.1: 5 of 1,614,014 alleles (0.00031%); highest among the groups gnomAD compares: Middle Eastern, 0.049%; no homozygotes.

Submissions (2):

Labcorp Genetics (formerly Invitae), Labcorp
Classification: Uncertain significance. Last evaluated: 2025-11-24. Review status: criteria provided, single submitter. Criteria: Invitae Variant Classification Sherloc (09022015). Collection method: clinical testing. Allele origin: germline.
Comment: This sequence change replaces glutamic acid, which is acidic and polar, with glycine, which is neutral and non-polar, at codon 152 of the SAMD9 protein (p.Glu152Gly). This variant is present in population databases (no rsID available, gnomAD 0.007%). This variant has not been reported in the literature in individuals affected with SAMD9-related conditions. ClinVar contains an entry for this variant (Variation ID: 1810053). Invitae Evidence Modeling of protein sequence and biophysical properties (such as structural, functional, and spatial information, amino acid conservation, physicochemical variation, residue mobility, and thermodynamic stability) indicates that this missense variant is not expected to disrupt SAMD9 protein function with a negative predictive value of 95%. In summary, the available evidence is currently insufficient to determine the role of this variant in disease. Therefore, it has been classified as a Variant of Uncertain Significance.

GeneDx
Classification: Uncertain significance. Last evaluated: 2024-11-24. Review status: criteria provided, single submitter. Criteria: GeneDx Variant Classification Process June 2021. Collection method: clinical testing. Allele origin: germline. Affected: yes.
Comment: Not observed at significant frequency in large population cohorts (gnomAD); In silico analysis indicates that this missense variant does not alter protein structure/function; Has not been previously published as pathogenic or benign to our knowledge

NM_017654.4(SAMD9):c.455A>G (p.Glu152Gly)

Gene: SAMD9 (sterile alpha motif domain containing 9; minus strand). Cytogenetic location: 7q21.2.
Variant type: single nucleotide variant.
Coding change: c.455A>G on transcript NM_017654.4 (MANE Select); coding-DNA position 455, A replaced by G.
Protein change: p.Glu152Gly; replaces glutamic acid 152 with glycine.
Molecular consequence: missense variant.
Genome position (GRCh38, 1-based): chr7:93,105,643, T>C on the plus strand (A>G on the coding strand, the complement: SAMD9 is on the minus strand). VCF-style: chr7-93105643-T-C. GRCh37 (hg19) VCF-style: chr7-92734956-T-C.
Other names: c.455A>G, p.Glu152Gly (NM_001193307.2); short protein forms E152G.
Identifiers: ClinVar variation 1810053 (VCV001810053.6), dbSNP rs1221319744, ClinGen allele CA368205086.